The following is an entry in ClinVar:

NM_001035.3(RYR2):c.684C>T (p.Leu228=)

Gene: RYR2 (ryanodine receptor 2; plus strand). Cytogenetic location: 1q43.
Variant type: single nucleotide variant.
Coding change: c.684C>T on transcript NM_001035.3 (MANE Select); coding-DNA position 684, C replaced by T.
Protein change: p.Leu228=; no amino-acid change (leucine 228 retained).
Molecular consequence: synonymous variant.
Genome position (GRCh38, 1-based): chr1:237,388,094, C>T. VCF-style: chr1-237388094-C-T. GRCh37 (hg19) VCF-style: chr1-237551394-C-T.
Identifiers: ClinVar variation 43818 (VCV000043818.53), dbSNP rs72549417, ClinGen allele CA010348.
Genomic context (GRCh38, chr1:237,388,094, plus strand): 5'-TATCAGCACCTGACACTGACAGTCCAGACCTGAATGATTTTTTATCCTTACAGGGTATCT[C>T]ATTGGTGGTGATGTCCTCAGGTTGCTGCATGGACACATGGACGAGTGTCTCACTGTCCCT-3'
Protein context (NP_001026.2, residues 218-238): SSGSEAAQGY[Leu228=]IGGDVLRLLH

ClinVar aggregate classification (germline): Conflicting classifications of pathogenicity. Review status: criteria provided, conflicting classifications (1 of 4 stars). 13 submissions from 12 submitters: Uncertain significance (1); Benign (1); Likely benign (11). Last evaluated 2026-05-01.

Conditions:
Cardiovascular phenotype. Identifiers: MedGen CN230736.
Cardiomyopathy (CMYO). Also called: Cardiomyopathies. Identifiers: Orphanet 167848, MedGen C0878544, MONDO:0004994, HP:0001638. Inheritance: Various modes of inheritance.
Catecholaminergic polymorphic ventricular tachycardia 1. Also called: VENTRICULAR TACHYCARDIA, STRESS-INDUCED POLYMORPHIC 1; RYR2-Related Catecholaminergic Polymorphic Ventricular Tachycardia; VENTRICULAR TACHYCARDIA, CATECHOLAMINERGIC POLYMORPHIC, 1, WITH OR WITHOUT ATRIAL DYSFUNCTION AND/OR DILATED CARDIOMYOPATHY. Identifiers: Orphanet 3286, MedGen C1631597, MONDO:0011484, OMIM 604772.
Arrhythmogenic right ventricular dysplasia 2. Identifiers: MedGen C1832931.
Catecholaminergic polymorphic ventricular tachycardia (CVPT). Also called: Catecholamine-induced polymorphic ventricular tachycardia. Identifiers: Orphanet 3286, MedGen C5574922, MONDO:0017990.

Allele frequency attached by ClinVar (database versions not stated): gnomAD 0.00005 and 0.00008; ExAC 0.00008; gnomAD exomes 0.00008 and 0.00009; TOPMed 0.00008.
gnomAD v4.1: 183 of 1,613,576 alleles (0.011%); highest among the groups gnomAD compares: East Asian, 0.29%; no homozygotes.

Submissions (13):

CeGaT Center for Human Genetics Tuebingen
Classification: Likely benign. Last evaluated: 2026-05-01. Review status: criteria provided, single submitter. Criteria: CeGaT Center For Human Genetics Tuebingen Variant Classification Criteria Version 2. Collection method: clinical testing. Allele origin: germline. Affected: yes. Observed: 2 variant alleles.
Comment: RYR2: BP4, BP7, BS1

Labcorp Genetics (formerly Invitae), Labcorp
Classification: Likely benign for Catecholaminergic polymorphic ventricular tachycardia 1. Last evaluated: 2026-01-25. Review status: criteria provided, single submitter. Criteria: Invitae Variant Classification Sherloc (09022015). Collection method: clinical testing. Allele origin: germline.

Molecular Diagnostic Laboratory for Inherited Cardiovascular Disease, Montreal Heart Institute
Classification: Likely benign. Last evaluated: 2025-04-09. Review status: criteria provided, single submitter. Criteria: ACMG Guidelines, 2015. Collection method: clinical testing. Allele origin: germline. Affected: no.

Blueprint Genetics
Classification: Likely benign. Last evaluated: 2024-10-09. Review status: criteria provided, single submitter. Criteria: ACMG Guidelines, 2015. Collection method: clinical testing. Allele origin: germline.

All of Us Research Program, National Institutes of Health
Classification: Likely benign for Catecholaminergic polymorphic ventricular tachycardia. Last evaluated: 2023-12-18. Review status: criteria provided, single submitter. Criteria: ACMG Guidelines, 2015. Collection method: clinical testing. Allele origin: germline. Inheritance: Autosomal dominant inheritance. Observed: 32 variant alleles, 32 heterozygotes.
Comment: This study involves interpretation of variants in research participants for the purpose of population health screening. Participant phenotype was not available at the time of variant classification. Additional details can be found in publication PMID: 35346344, PMCID: PMC8962531

Ambry Genetics
Classification: Likely benign for Cardiovascular phenotype. Last evaluated: 2020-11-23. Review status: criteria provided, single submitter. Criteria: Ambry Variant Classification Scheme 2023. Collection method: clinical testing. Allele origin: germline.

GeneDx
Classification: Likely benign. Last evaluated: 2019-12-10. Review status: criteria provided, single submitter. Criteria: GeneDx Variant Classification Process June 2021. Collection method: clinical testing. Allele origin: germline. Affected: yes.

Color Diagnostics, LLC DBA Color Health
Classification: Likely benign for Cardiomyopathy. Last evaluated: 2018-07-02. Review status: criteria provided, single submitter. Criteria: ACMG Guidelines, 2015. Collection method: clinical testing. Allele origin: germline.

Illumina Laboratory Services, Illumina
Classification: Uncertain significance for Catecholaminergic polymorphic ventricular tachycardia 1. Last evaluated: 2018-01-12. Review status: criteria provided, single submitter. Criteria: ICSL Variant Classification Criteria 13 December 2019. Collection method: clinical testing. Allele origin: germline.

Illumina Laboratory Services, Illumina
Classification: Likely benign for Catecholaminergic polymorphic ventricular tachycardia 1. Last evaluated: 2018-01-12. Review status: criteria provided, single submitter. Criteria: ICSL Variant Classification Criteria 13 December 2019. Collection method: clinical testing. Allele origin: germline.
Comment: This variant was observed in the ICSL laboratory as part of a predisposition screen in an ostensibly healthy population. It had not been previously curated by ICSL or reported in the Human Gene Mutation Database (HGMD: prior to June 1st, 2018), and was therefore a candidate for classification through an automated scoring system. Utilizing variant allele frequency, disease prevalence and penetrance estimates, and inheritance mode, an automated score was calculated to assess if this variant is too frequent to cause the disease. Based on the score and internal cut-off values, a variant classified as likely benign is not then subjected to further curation. The score for this variant resulted in a classification of likely benign for this disease.

CHEO Genetics Diagnostic Laboratory, Children's Hospital of Eastern Ontario
Classification: Likely benign for Cardiomyopathy. Last evaluated: 2017-08-24. Review status: criteria provided, single submitter. Criteria: ACMG Guidelines, 2015. Collection method: clinical testing. Allele origin: germline. Study: Canadian Open Genetics Repository.

Women's Health and Genetics/Laboratory Corporation of America, LabCorp
Classification: Benign. Last evaluated: 2016-12-05. Review status: criteria provided, single submitter. Criteria: LabCorp Variant Classification Summary - May 2015. Collection method: clinical testing. Allele origin: germline.
Comment: Variant summary: The RYR2 c.684C>T (p.Leu228Leu) variant causes a synonymous change involving a non-conserved nucleotide, which 5/5 splice prediction tools predict no significant impact on normal splicing, although these predictions have yet to be functionally assessed. The variant of interest was observed in the large, broad control population, ExAC, with an allele frequency of 9/118872 (1/13208), predominantly in the East Asian cohort, 7/8564 (1/1223), which is about 15 times the estimated maximal expected allele frequency for a pathogenic RYR2 variant of 1/18181. Therefore, suggesting this is likely a benign polymorphism found primarily in the populations of East Asian origin. In addition, one clinical diagnostic laboratory/reputable database has classified this variant as likely benign. The variant of interest has not, to our knowledge, been reported in affected individuals via publications. Taken together, this variant has been classified as Benign.

Laboratory for Molecular Medicine, Mass General Brigham Personalized Medicine
Classification: Likely benign. Last evaluated: 2012-08-03. Review status: criteria provided, single submitter. Criteria: LMM Criteria. Collection method: clinical testing. Allele origin: germline. Observed: 1 variant allele.
Comment: Leu228Leu in exon 10 of RYR2: This variant is not expected to have clinical sign ificance because it does not alter an amino acid residue and is not located with in the splice consensus sequence. This variant has been listed in dbSNP without frequency information (dbSNP rs72549417). Leu228Leu in exon 10 of RYR2 (rs72549 417; allele frequency = n/a)